The following is an entry in ClinVar:

ClinVar aggregate classification (germline): Uncertain significance (1 of 4 stars; one submission).

Conditions:
Idiopathic generalized epilepsy. Also called: Generalised epilepsy; EIG. Identifiers: MedGen C0270850, MONDO:0005579, OMIM 600669.
Hyperaldosteronism, familial, type IV (HALD4). Also called: FH IV; ALDOSTERONISM, PRIMARY, AND HYPERTENSION. Identifiers: Orphanet 642671, MedGen C4310756, MONDO:0014875, OMIM 617027.

Submission:

Labcorp Genetics (formerly Invitae), Labcorp
Classification: Uncertain significance for Idiopathic generalized epilepsy; Hyperaldosteronism, familial, type IV. Last evaluated: 2025-03-18. Review status: criteria provided, single submitter. Criteria: Invitae Variant Classification Sherloc (09022015). Collection method: clinical testing. Allele origin: germline.
Comment: This sequence change replaces arginine, which is basic and polar, with proline, which is neutral and non-polar, at codon 2011 of the CACNA1H protein (p.Arg2011Pro). This variant is not present in population databases (gnomAD no frequency). This variant has not been reported in the literature in individuals affected with CACNA1H-related conditions. ClinVar contains an entry for this variant (Variation ID: 2947667). Invitae Evidence Modeling of protein sequence and biophysical properties (such as structural, functional, and spatial information, amino acid conservation, physicochemical variation, residue mobility, and thermodynamic stability) indicates that this missense variant is not expected to disrupt CACNA1H protein function with a negative predictive value of 80%. In summary, the available evidence is currently insufficient to determine the role of this variant in disease. Therefore, it has been classified as a Variant of Uncertain Significance.

NM_021098.3(CACNA1H):c.6032G>C (p.Arg2011Pro)

Gene: CACNA1H (calcium voltage-gated channel subunit alpha1 H; plus strand). Cytogenetic location: 16p13.3.
Variant type: single nucleotide variant.
Coding change: c.6032G>C on transcript NM_021098.3 (MANE Select); coding-DNA position 6032, G replaced by C.
Protein change: p.Arg2011Pro; replaces arginine 2011 with proline.
Molecular consequence: missense variant.
Genome position (GRCh38, 1-based): chr16:1,219,114, G>C. VCF-style: chr16-1219114-G-C. GRCh37 (hg19) VCF-style: chr16-1269114-G-C.
Other names: c.6014G>C, p.Arg2005Pro (NM_001005407.2); short protein forms R2005P, R2011P.
Identifiers: ClinVar variation 2947667 (VCV002947667.3), dbSNP rs554063452, ClinGen allele CA394148535.
Genomic context (GRCh38, chr16:1,219,114, plus strand): 5'-GCGGCGAGCCCCTCCACGCCCTGTCCCCTCGGGGCACAGCCCGCTCCCCCAGTCTCAGCC[G>C]GCTGCTCTGCAGACAGGTAGGAGAAGCCGTTGGCCTGCAGCAGAGGCTGGCGGGGATGGG-3'
Protein context (NP_066921.2, residues 2001-2021): RGTARSPSLS[Arg2011Pro]LLCRQEAVHT